The following is an entry in ClinVar:

NM_000321.3(RB1):c.1594A>T (p.Ile532Phe)

Gene: RB1 (RB transcriptional corepressor 1; plus strand). Cytogenetic location: 13q14.2.
Variant type: single nucleotide variant.
Coding change: c.1594A>T on transcript NM_000321.3 (MANE Select); coding-DNA position 1594, A replaced by T.
Protein change: p.Ile532Phe; replaces isoleucine 532 with phenylalanine.
Molecular consequence: missense variant.
Genome position (GRCh38, 1-based): chr13:48,381,342, A>T. VCF-style: chr13-48381342-A-T. GRCh37 (hg19) VCF-style: chr13-48955478-A-T.
Other names: c.1594A>T (NM_000321.2); short protein forms I532F.
Identifiers: ClinVar variation 1353781 (VCV001353781.10), dbSNP rs2138145305, ClinGen allele CA388163676.

ClinVar aggregate classification (germline): Uncertain significance. Review status: criteria provided, multiple submitters, no conflicts (2 of 4 stars). 2 submissions from 2 submitters: Uncertain significance (2). Last evaluated 2026-04-14.

Conditions:
Hereditary cancer-predisposing syndrome. Also called: Neoplastic Syndromes, Hereditary; Tumor predisposition; Hereditary Cancer Syndrome; Hereditary neoplastic syndrome. Identifiers: Orphanet 140162, MedGen C0027672, MeSH D009386, MONDO:0015356.
Retinoblastoma (RB1). Also called: RETINOBLASTOMA, SOMATIC. Identifiers: Orphanet 790, MedGen C0035335, MeSH D012175, MONDO:0008380, OMIM 180200, HP:0009919. Disease mechanism: loss of function. Inheritance: Both sporadic and heritable forms are tested..

Allele frequency attached by ClinVar (database versions not stated): gnomAD exomes below 0.00001.
gnomAD v4.1: 1 of 1,612,006 alleles (0.000062%); highest among the groups gnomAD compares: Non-Finnish European, 0.000085%; no homozygotes.

Submissions (2):

Ambry Genetics
Classification: Uncertain significance for Hereditary cancer-predisposing syndrome. Last evaluated: 2026-04-14. Review status: criteria provided, single submitter. Criteria: Ambry Variant Classification Scheme 2023. Collection method: clinical testing. Allele origin: germline.
Comment: The p.I532F variant (also known as c.1594A>T), located in coding exon 17 of the RB1 gene, results from an A to T substitution at nucleotide position 1594. The isoleucine at codon 532 is replaced by phenylalanine, an amino acid with highly similar properties. This amino acid position is highly conserved in available vertebrate species. In addition, this alteration is predicted to be deleterious by in silico analysis. Based on the available evidence, the clinical significance of this variant remains unclear.

Labcorp Genetics (formerly Invitae), Labcorp
Classification: Uncertain significance for Retinoblastoma. Last evaluated: 2021-05-15. Review status: criteria provided, single submitter. Criteria: Invitae Variant Classification Sherloc (09022015). Collection method: clinical testing. Allele origin: germline.
Comment: In summary, the available evidence is currently insufficient to determine the role of this variant in disease. Therefore, it has been classified as a Variant of Uncertain Significance. Algorithms developed to predict the effect of missense changes on protein structure and function are either unavailable or do not agree on the potential impact of this missense change (SIFT: "Deleterious"; PolyPhen-2: "Probably Damaging"; Align-GVGD: "Class C15"). This variant has not been reported in the literature in individuals with RB1-related conditions. This variant is not present in population databases (ExAC no frequency). This sequence change replaces isoleucine with phenylalanine at codon 532 of the RB1 protein (p.Ile532Phe). The isoleucine residue is highly conserved and there is a small physicochemical difference between isoleucine and phenylalanine.